The following is an entry in ClinVar:

ClinVar aggregate classification (germline): Uncertain significance (1 of 4 stars; one submission).

Conditions:
Ataxia-telangiectasia syndrome (AT). Also called: LOUIS-BAR SYNDROME; Cerebello-oculocutaneous telangiectasia; Immunodeficiency with ataxia telangiectasia; Ataxia telangiectasia (A-T); Ataxia-telangiectasia, complementation group D; AT, COMPLEMENTATION GROUP C. Identifiers: Orphanet 100, MedGen C0004135, MONDO:0008840, OMIM 208900.

Submission:

Labcorp Genetics (formerly Invitae), Labcorp
Classification: Uncertain significance for Ataxia-telangiectasia syndrome. Last evaluated: 2021-10-15. Review status: criteria provided, single submitter. Criteria: Invitae Variant Classification Sherloc (09022015). Collection method: clinical testing. Allele origin: germline.
Comment: This sequence change replaces glycine with alanine at codon 2477 of the ATM protein (p.Gly2477Ala). The glycine residue is highly conserved and there is a small physicochemical difference between glycine and alanine. This variant is not present in population databases (ExAC no frequency). This variant has not been reported in the literature in individuals affected with ATM-related conditions. Advanced modeling of protein sequence and biophysical properties (such as structural, functional, and spatial information, amino acid conservation, physicochemical variation, residue mobility, and thermodynamic stability) performed at Invitae indicates that this missense variant is not expected to disrupt ATM protein function. In summary, the available evidence is currently insufficient to determine the role of this variant in disease. Therefore, it has been classified as a Variant of Uncertain Significance.

NM_000051.4(ATM):c.7430G>C (p.Gly2477Ala)

Genes: ATM (ATM serine/threonine kinase; plus strand), C11orf65 (chromosome 11 open reading frame 65; minus strand). Cytogenetic location: 11q22.3.
Variant type: single nucleotide variant.
Coding change: c.7430G>C on transcript NM_000051.4 (MANE Select); coding-DNA position 7430, G replaced by C.
Protein change: p.Gly2477Ala; replaces glycine 2477 with alanine.
Molecular consequence: missense variant. On other transcripts: intron variant (2).
Genome position (GRCh38, 1-based): chr11:108,330,336, G>C. VCF-style: chr11-108330336-G-C. GRCh37 (hg19) VCF-style: chr11-108201063-G-C.
Other names: c.7430G>C, p.Gly2477Ala (NM_001351834.2); c.641-21265C>G (NM_001330368.2); c.*38+4884C>G (NM_001351110.2); short protein forms G2477A.
Identifiers: ClinVar variation 1463021 (VCV001463021.7), dbSNP rs2136459422, ClinGen allele CA382560247.